The following is an entry in ClinVar:

NM_001042413.2(GLIS3):c.2442T>C (p.Ser814=)

Gene: GLIS3 (GLIS family zinc finger 3; minus strand). Cytogenetic location: 9p24.2.
Variant type: single nucleotide variant.
Coding change: c.2442T>C on transcript NM_001042413.2 (MANE Select); coding-DNA position 2442, T replaced by C.
Protein change: p.Ser814=; no amino-acid change (serine 814 retained).
Molecular consequence: synonymous variant.
Genome position (GRCh38, 1-based): chr9:3,856,040, A>G on the plus strand (T>C on the coding strand, the complement: GLIS3 is on the minus strand). VCF-style: chr9-3856040-A-G. GRCh37 (hg19) VCF-style: chr9-3856040-A-G.
Other names: c.2442T>C, p.Ser814= (NM_001438906.1, NM_001438907.1, NM_001438908.1); c.1977T>C, p.Ser659= (NM_001438909.1, NM_152629.4); c.1776T>C, p.Ser592= (NM_001438911.1, NM_001438912.1).
Identifiers: ClinVar variation 4995991 (VCV004995991.1).
Genomic context (GRCh38, chr9:3,856,040, plus strand): 5'-ACTCAAGGGACTGCCAGCTTCTTGCTTACCATGGACATGGATACCATTTGGTTGAAAAGA[A>G]GAGTTTGTTTCTGGCTGATAGGACTTCAGGTGTGAACCTGATGGCTGCTGGGTATAGGGA-3'
Protein context (NP_001035878.1, residues 804-824): HLKSYQPETN[Ser814=]SFQPNGIHVH

ClinVar aggregate classification (germline): Likely benign (1 of 4 stars; one submission).

Conditions:
GLIS3-related disorder. Also called: GLIS3-related condition.

gnomAD v4.1: 2 of 1,614,074 alleles (0.00012%); highest among the groups gnomAD compares: Admixed American, 0.0017%; no homozygotes.

Submission:

PreventionGenetics, part of Exact Sciences
Classification: Likely benign for GLIS3-related condition. Last evaluated: 2026-05-28. Review status: criteria provided, single submitter. Criteria: ACMG Guidelines, 2015. Collection method: clinical testing. Allele origin: germline.
Comment: This variant is classified as likely benign based on ACMG/AMP sequence variant interpretation guidelines (Richards et al. 2015 PMID: 25741868, with internal and published modifications).